The following is an entry in ClinVar:

NM_001853.4(COL9A3):c.846+237A>G

Gene: COL9A3 (collagen type IX alpha 3 chain; plus strand). Cytogenetic location: 20q13.33.
Variant type: single nucleotide variant.
Coding change: c.846+237A>G on transcript NM_001853.4 (MANE Select); 237 bases into the intron after coding-DNA position 846, A replaced by G.
Molecular consequence: intron variant.
Genome position (GRCh38, 1-based): chr20:62,827,531, A>G. VCF-style: chr20-62827531-A-G. GRCh37 (hg19) VCF-style: chr20-61458883-A-G.
Identifiers: ClinVar variation 678110 (VCV000678110.1), dbSNP rs2294990, ClinGen allele CA14765343.

ClinVar aggregate classification (germline): Benign (1 of 4 stars; one submission).

Allele frequency attached by ClinVar (database versions not stated): 1000 Genomes Project 0.39097; 1000 Genomes Project 30x 0.39756; gnomAD 0.42277 and 0.42818; TOPMed 0.42517.

Submission:

GeneDx
Classification: Benign. Last evaluated: 2018-06-16. Review status: criteria provided, single submitter. Criteria: GeneDx Variant Classification (06012015). Collection method: clinical testing. Allele origin: germline. Affected: yes.
Comment: This variant is considered likely benign or benign based on one or more of the following criteria: it is a conservative change, it occurs at a poorly conserved position in the protein, it is predicted to be benign by multiple in silico algorithms, and/or has population frequency not consistent with disease.